The following is an entry in ClinVar:

NM_006206.6(PDGFRA):c.3123-3C>G

Gene: PDGFRA (platelet derived growth factor receptor alpha; plus strand). Cytogenetic location: 4q12.
Variant type: single nucleotide variant.
Coding change: c.3123-3C>G on transcript NM_006206.6 (MANE Select); 3 bases into the intron before coding-DNA position 3123, C replaced by G.
Molecular consequence: intron variant.
Genome position (GRCh38, 1-based): chr4:54,295,122, C>G. VCF-style: chr4-54295122-C-G. GRCh37 (hg19) VCF-style: chr4-55161289-C-G.
Other names: c.3198-3C>G (NM_001347828.2); c.3123-3C>G (NM_001347829.2); c.3162-3C>G (NM_001347830.2).
Identifiers: ClinVar variation 4843855 (VCV004843855.1).

ClinVar aggregate classification (germline): Uncertain significance (1 of 4 stars; one submission).

Conditions:
Hereditary cancer-predisposing syndrome. Also called: Neoplastic Syndromes, Hereditary; Tumor predisposition; Hereditary Cancer Syndrome; Hereditary neoplastic syndrome. Identifiers: Orphanet 140162, MedGen C0027672, MeSH D009386, MONDO:0015356.

Submission:

Ambry Genetics
Classification: Uncertain significance for Hereditary cancer-predisposing syndrome. Last evaluated: 2026-02-23. Review status: criteria provided, single submitter. Criteria: Ambry Variant Classification Scheme 2023. Collection method: clinical testing. Allele origin: germline.
Comment: The c.3123-3C>G intronic variant results from a C to G substitution 3 nucleotides upstream from coding exon 22 in the PDGFRA gene. This nucleotide position is well conserved in available vertebrate species. In silico splice site analysis predicts that this alteration will result in the creation or strengthening of a novel splice acceptor site. Based on the available evidence, the clinical significance of this variant remains unclear.